The following is an entry in ClinVar:

NM_001378609.3(OTOGL):c.3128T>C (p.Ile1043Thr)

Gene: OTOGL (otogelin like; plus strand). Cytogenetic location: 12q21.31.
Variant type: single nucleotide variant.
Coding change: c.3128T>C on transcript NM_001378609.3 (MANE Select); coding-DNA position 3128, T replaced by C.
Protein change: p.Ile1043Thr; replaces isoleucine 1043 with threonine.
Molecular consequence: missense variant.
Genome position (GRCh38, 1-based): chr12:80,302,698, T>C. VCF-style: chr12-80302698-T-C. GRCh37 (hg19) VCF-style: chr12-80696478-T-C.
Other names: c.2993T>C, p.Ile998Thr (NM_001368062.3); c.3128T>C, p.Ile1043Thr (NM_001378610.3, NM_173591.7); short protein forms I1043T, I998T.
Identifiers: ClinVar variation 3412667 (VCV003412667.2).

ClinVar aggregate classification (germline): Uncertain significance. Review status: criteria provided, multiple submitters, no conflicts (2 of 4 stars). 2 submissions from 2 submitters: Uncertain significance (2). Last evaluated 2025-05-06.

Conditions:
Inborn genetic diseases. Identifiers: MedGen C0950123, MeSH D030342.

gnomAD v4.1: 24 of 1,518,484 alleles (0.0016%); highest among the groups gnomAD compares: African/African-American, 0.019%; no homozygotes.

Submissions (2):

GeneDx
Classification: Uncertain significance. Last evaluated: 2025-05-06. Review status: criteria provided, single submitter. Criteria: GeneDx Variant Classification Process June 2021. Collection method: clinical testing. Allele origin: germline. Affected: yes.
Comment: In silico analysis suggests that this missense variant does not alter protein structure/function; Has not been previously published as pathogenic or benign to our knowledge

Ambry Genetics
Classification: Uncertain significance for Inborn genetic diseases. Last evaluated: 2024-07-17. Review status: criteria provided, single submitter. Criteria: Ambry Variant Classification Scheme 2023. Collection method: clinical testing. Allele origin: germline.